The following is an entry in ClinVar:

ClinVar aggregate classification (germline): Likely benign (1 of 4 stars; one submission).

Submission:

CeGaT Center for Human Genetics Tuebingen
Classification: Likely benign. Last evaluated: 2023-08-01. Review status: criteria provided, single submitter. Criteria: CeGaT Center For Human Genetics Tuebingen Variant Classification Criteria Version 2. Collection method: clinical testing. Allele origin: germline. Affected: yes. Observed: 1 variant allele.
Comment: MUC4: BP4, BP7

NM_018406.7(MUC4):c.10545C>T (p.Thr3515=)

Gene: MUC4 (mucin 4, cell surface associated). Cytogenetic location: 3q29.
Variant type: single nucleotide variant.
Coding change: c.10545C>T on transcript NM_018406.7 (MANE Select); coding-DNA position 10545, C replaced by T.
Protein change: p.Thr3515=; no amino-acid change (threonine 3515 retained).
Molecular consequence: synonymous variant. On other transcripts: genic upstream transcript variant (2).
Genome position (GRCh38, 1-based): chr3:195,781,035, G>A on the plus strand (C>T on the coding strand, the complement: MUC4 is on the minus strand). VCF-style: chr3-195781035-G-A. GRCh37 (hg19) VCF-style: chr3-195507906-G-A.
Other names: c.15315A>T, p.Thr5105= (NM_001322468.1); c.83-6730C>T (NM_138297.5); c.83-2580C>T (NM_004532.6).
Identifiers: ClinVar variation 2654424 (VCV002654424.24), dbSNP rs756683164, ClinGen allele CA2770055.